The following is an entry in ClinVar:

NM_004333.6(BRAF):c.1178-896A>G

Gene: BRAF (B-Raf proto-oncogene, serine/threonine kinase; minus strand). Cytogenetic location: 7q34.
Variant type: single nucleotide variant.
Coding change: c.1178-896A>G on transcript NM_004333.6 (MANE Select); 896 bases into the intron before coding-DNA position 1178, A replaced by G.
Molecular consequence: intron variant.
Genome position (GRCh38, 1-based): chr7:140,784,053, T>C on the plus strand (A>G on the coding strand, the complement: BRAF is on the minus strand). VCF-style: chr7-140784053-T-C. GRCh37 (hg19) VCF-style: chr7-140483853-T-C.
Other names: c.1178-896A>G (NM_001378474.1, NM_001378468.1, NM_001354609.2); c.1076-896A>G (NM_001378470.1); c.914-896A>G (NM_001378475.1); c.1141-970A>G (NM_001378471.1); c.1298-896A>G (NM_001374258.1, NM_001374244.1); c.1187-896A>G (NM_001378467.1); c.1022-896A>G (NM_001378472.1, NM_001378473.1); c.1178-962A>G (NM_001378469.1).
Identifiers: ClinVar variation 2658030 (VCV002658030.24), dbSNP rs562834805, ClinGen allele CA168092221.
Genomic context (GRCh38, chr7:140,784,053, plus strand): 5'-CATCCTGAGTTAAGGTACAGTAGCACCTGGTTCAGAAGAGTTCAGGGCAGTGAATCTTAC[T>C]GGGGCCTGAATACAGCTGAGTAGAACTCAGATGTCCAGGCAATAGTTCTATATACAGAAC-3'

ClinVar aggregate classification (germline): Benign (1 of 4 stars; one submission).

Allele frequency attached by ClinVar (database versions not stated): 1000 Genomes Project 30x 0.00047; 1000 Genomes Project 0.00060; gnomAD 0.00086; TOPMed 0.00089.
gnomAD v4.1: 131 of 152,244 alleles (0.086%); highest among the groups gnomAD compares: Non-Finnish European, 0.17%; no homozygotes.

Submission:

CeGaT Center for Human Genetics Tuebingen
Classification: Benign. Last evaluated: 2022-12-01. Review status: criteria provided, single submitter. Criteria: CeGaT Center For Human Genetics Tuebingen Variant Classification Criteria Version 2. Collection method: clinical testing. Allele origin: germline. Affected: yes. Observed: 1 variant allele.
Comment: BRAF: BS1, BS2